The following is an entry in ClinVar:

NM_001003787.4(STRADA):c.491del (p.Met164fs)

Genes: STRADA (STE20 related adaptor alpha; minus strand), LOC125312417 (Sharpr-MPRA regulatory region 9817; plus strand). Cytogenetic location: 17q23.3.
Variant type: Deletion.
Coding change: c.491del on transcript NM_001003787.4 (MANE Select); coding-DNA position 491, one base deleted (T; older notation c.491delT).
Protein change: p.Met164fs; shifts the reading frame from methionine 164.
Molecular consequence: frameshift variant. On other transcripts: non-coding transcript variant (1).
Genome position (GRCh38, 1-based): chr17:63,710,581, A deleted on the plus strand (T on the coding strand, the reverse complement: STRADA is on the minus strand). VCF-style (leftmost placement, unchanged base first): chr17-63710580-CA-C. GRCh37 (hg19) VCF-style: chr17-61787940-CA-C.
Other names: c.380del, p.Met127fs (NM_001003786.3, NM_001363789.1, NM_153335.6); c.317del, p.Met106fs (NM_001003788.3, NM_001363790.1, NM_001363791.1); c.404del, p.Met135fs (NM_001165969.2, NM_001363787.1); c.359del, p.Met120fs (NM_001165970.2); c.467del, p.Met156fs (NM_001363786.1); c.491del, p.Met164fs (NM_001363788.1); short protein forms M127fs, M164fs, M120fs, M106fs, M135fs, M156fs.
Identifiers: ClinVar variation 1452310 (VCV001452310.6), dbSNP rs2143849443, ClinGen allele CA2573154458.

ClinVar aggregate classification (germline): Pathogenic (1 of 4 stars; one submission).

Conditions:
Polyhydramnios, megalencephaly, and symptomatic epilepsy (PMSE). Also called: PMSE SYNDROME. Identifiers: Orphanet 500533, MedGen C1970203, MONDO:0012611, OMIM 611087.

Submission:

Labcorp Genetics (formerly Invitae), Labcorp
Classification: Pathogenic for Polyhydramnios, megalencephaly, and symptomatic epilepsy. Last evaluated: 2022-09-01. Review status: criteria provided, single submitter. Criteria: Invitae Variant Classification Sherloc (09022015). Collection method: clinical testing. Allele origin: germline.
Comment: This sequence change creates a premature translational stop signal (p.Met164Argfs*4) in the STRADA gene. It is expected to result in an absent or disrupted protein product. Loss-of-function variants in STRADA are known to be pathogenic (PMID: 17522105, 27170158). This variant is not present in population databases (gnomAD no frequency). This variant has not been reported in the literature in individuals affected with STRADA-related conditions. ClinVar contains an entry for this variant (Variation ID: 1452310). Algorithms developed to predict the effect of sequence changes on RNA splicing suggest that this variant may create or strengthen a splice site. For these reasons, this variant has been classified as Pathogenic.

Literature cited by the submitters: PubMed 17522105; PubMed 27170158.